The following is an entry in ClinVar:

NM_000061.3(BTK):c.1743G>A (p.Trp581Ter)

Gene: BTK (Bruton tyrosine kinase; minus strand). Cytogenetic location: Xq22.1.
Variant type: single nucleotide variant.
Coding change: c.1743G>A on transcript NM_000061.3 (MANE Select); coding-DNA position 1743, G replaced by A.
Protein change: p.Trp581Ter; replaces tryptophan 581 with a stop codon.
Molecular consequence: nonsense.
Genome position (GRCh38, 1-based): chrX:101,353,877, C>T on the plus strand (G>A on the coding strand, the complement: BTK is on the minus strand). VCF-style: chrX-101353877-C-T. GRCh37 (hg19) VCF-style: chrX-100608865-C-T.
Other names: c.1845G>A, p.Trp615Ter (NM_001287344.2); c.1215G>A, p.Trp405Ter (NM_001287345.2); short protein forms W615*, W405*, W581*.
Identifiers: ClinVar variation 2737289 (VCV002737289.3), dbSNP rs1603002341, ClinGen allele CA413919962.

ClinVar aggregate classification (germline): Pathogenic (1 of 4 stars; one submission).

Conditions:
X-linked agammaglobulinemia with growth hormone deficiency (IGHD3). Also called: AGAMMAGLOBULINEMIA AND ISOLATED GROWTH HORMONE DEFICIENCY, X-LINKED; FLEISHER SYNDROME; Isolated growth hormone deficiency type 3; Growth hormone deficiency with hypogammaglobulinemia; HYPOGAMMAGLOBULINEMIA AND ISOLATED GROWTH HORMONE DEFICIENCY, X-LINKED; IGHD III. Identifiers: Orphanet 231692, Orphanet 631, MedGen C0472813, MONDO:0010615, OMIM 307200.

Submission:

Labcorp Genetics (formerly Invitae), Labcorp
Classification: Pathogenic for X-linked agammaglobulinemia with growth hormone deficiency. Last evaluated: 2022-10-31. Review status: criteria provided, single submitter. Criteria: Invitae Variant Classification Sherloc (09022015). Collection method: clinical testing. Allele origin: germline.
Comment: This sequence change creates a premature translational stop signal (p.Trp581*) in the BTK gene. It is expected to result in an absent or disrupted protein product. Loss-of-function variants in BTK are known to be pathogenic (PMID: 15661032, 16862044, 19419768). This variant is not present in population databases (gnomAD no frequency). This premature translational stop signal has been observed in individual(s) with X-linked agammaglobulinemia (PMID: 16159644). For these reasons, this variant has been classified as Pathogenic.

Literature cited by the submitters: PubMed 15661032; PubMed 16862044; PubMed 19419768; PubMed 16159644.